The following is an entry in ClinVar:

NM_001111.5(ADAR):c.775G>A (p.Val259Met)

Gene: ADAR (adenosine deaminase RNA specific; minus strand). Cytogenetic location: 1q21.3.
Variant type: single nucleotide variant.
Coding change: c.775G>A on transcript NM_001111.5 (MANE Select); coding-DNA position 775, G replaced by A.
Protein change: p.Val259Met; replaces valine 259 with methionine.
Molecular consequence: missense variant. On other transcripts: 5 prime UTR variant (6).
Genome position (GRCh38, 1-based): chr1:154,601,867, C>T on the plus strand (G>A on the coding strand, the complement: ADAR is on the minus strand). VCF-style: chr1-154601867-C-T. GRCh37 (hg19) VCF-style: chr1-154574343-C-T.
Other names: c.-111G>A (NM_001025107.3, NM_001193495.2, NM_001365046.1 and 3 more transcripts); c.802G>A, p.Val268Met (NM_001365045.1); c.775G>A, p.Val259Met (NM_015840.4, NM_015841.4); short protein forms V259M, V268M.
Identifiers: ClinVar variation 4538678 (VCV004538678.2).

ClinVar aggregate classification (germline): Uncertain significance. Review status: criteria provided, multiple submitters, no conflicts (2 of 4 stars). 2 submissions from 2 submitters: Uncertain significance (2). Last evaluated 2025-12-15.

Conditions:
Inborn genetic diseases. Identifiers: MedGen C0950123, MeSH D030342.

Submissions (2):

Ambry Genetics
Classification: Uncertain significance for Inborn genetic diseases. Last evaluated: 2025-12-15. Review status: criteria provided, single submitter. Criteria: Ambry Variant Classification Scheme 2023. Collection method: clinical testing. Allele origin: germline.

GeneDx
Classification: Uncertain significance. Last evaluated: 2025-06-17. Review status: criteria provided, single submitter. Criteria: GeneDx Variant Classification Process June 2021. Collection method: clinical testing. Allele origin: germline. Affected: yes.
Comment: Not observed at significant frequency in large population cohorts (gnomAD); In silico analysis suggests that this missense variant does not alter protein structure/function; Has not been previously published as pathogenic or benign to our knowledge